The following is an entry in ClinVar:

ClinVar aggregate classification (germline): Uncertain significance (1 of 4 stars; one submission).

Allele frequency attached by ClinVar (database versions not stated): gnomAD 0.00001; gnomAD exomes below 0.00001; ExAC 0.00001.
gnomAD v4.1: 1 of 1,614,062 alleles (0.000062%); no homozygotes.

Submission:

Labcorp Genetics (formerly Invitae), Labcorp
Classification: Uncertain significance. Last evaluated: 2022-08-16. Review status: criteria provided, single submitter. Criteria: Invitae Variant Classification Sherloc (09022015). Collection method: clinical testing. Allele origin: germline.
Comment: This sequence change replaces leucine, which is neutral and non-polar, with phenylalanine, which is neutral and non-polar, at codon 693 of the ERCC3 protein (p.Leu693Phe). This variant is present in population databases (rs774621930, gnomAD no frequency). This variant has not been reported in the literature in individuals affected with ERCC3-related conditions. ClinVar contains an entry for this variant (Variation ID: 1349286). Algorithms developed to predict the effect of missense changes on protein structure and function are either unavailable or do not agree on the potential impact of this missense change (SIFT: "Deleterious"; PolyPhen-2: "Benign"; Align-GVGD: "Class C15"). In summary, the available evidence is currently insufficient to determine the role of this variant in disease. Therefore, it has been classified as a Variant of Uncertain Significance.

NM_000122.2(ERCC3):c.2077C>T (p.Leu693Phe)

Gene: ERCC3 (ERCC excision repair 3, TFIIH core complex helicase subunit; minus strand). Cytogenetic location: 2q14.3.
Variant type: single nucleotide variant.
Coding change: c.2077C>T on transcript NM_000122.2 (MANE Select); coding-DNA position 2077, C replaced by T.
Protein change: p.Leu693Phe; replaces leucine 693 with phenylalanine.
Molecular consequence: missense variant.
Genome position (GRCh38, 1-based): chr2:127,259,436, G>A on the plus strand (C>T on the coding strand, the complement: ERCC3 is on the minus strand). VCF-style: chr2-127259436-G-A. GRCh37 (hg19) VCF-style: chr2-128017012-G-A.
Other names: c.1885C>T, p.Leu629Phe (NM_001303416.2, NM_001303418.2); short protein forms L693F, L629F.
Identifiers: ClinVar variation 1349286 (VCV001349286.3), dbSNP rs774621930, ClinGen allele CA1858092.
Genomic context (GRCh38, chr2:127,259,436, plus strand): 5'-AGAGCTGCTGTTGCTCTTCTTTTGTCGAAAACGCCAAGTCTTCCTCCTCCATGCCAGCGA[G>A]TTTCGTGATCACCTGCAAAGCCCAAGCCAGCAGACATGCCCCTTTCTGCTCTCTCTCCCC-3'
Protein context (NP_000113.1, residues 683-703): QGYSFKVITK[Leu693Phe]AGMEEEDLAF